The following is an entry in ClinVar:

ClinVar aggregate classification (germline): Uncertain significance. Review status: criteria provided, multiple submitters, no conflicts (2 of 4 stars). 3 submissions from 3 submitters: Uncertain significance (2). 1 of the submissions does not count toward it. Last evaluated 2022-10-13.

Conditions:
Saldino-Mainzer syndrome (SRTD9). Also called: Renal dysplasia, retinal pigmentary dystrophy, cerebellar ataxia and skeletal dysplasia; SHORT-RIB THORACIC DYSPLASIA 9 WITHOUT POLYDACTYLY; short-rib thoracic dysplasia 9 with or without polydactyly; CONORENAL SYNDROME. Identifiers: Orphanet 140969, MedGen C1849437, MONDO:0009964, OMIM 266920.

Submissions (3):

Labcorp Genetics (formerly Invitae), Labcorp
Classification: Uncertain significance for Saldino-Mainzer syndrome. Last evaluated: 2022-10-13. Review status: criteria provided, single submitter. Criteria: Invitae Variant Classification Sherloc (09022015). Collection method: clinical testing. Allele origin: germline.
Comment: ClinVar contains an entry for this variant (Variation ID: 591375). In summary, the available evidence is currently insufficient to determine the role of this variant in disease. Therefore, it has been classified as a Variant of Uncertain Significance. Algorithms developed to predict the effect of missense changes on protein structure and function are either unavailable or do not agree on the potential impact of this missense change (SIFT: "Not Available"; PolyPhen-2: "Benign"; Align-GVGD: "Not Available"). This variant has not been reported in the literature in individuals affected with IFT140-related conditions. This variant is present in population databases (no rsID available, gnomAD 0.1%). This sequence change replaces glutamine, which is neutral and polar, with leucine, which is neutral and non-polar, at codon 1138 of the IFT140 protein (p.Gln1138Leu).

Blueprint Genetics
Classification: Uncertain significance. Last evaluated: 2020-01-09. Review status: criteria provided, single submitter. Criteria: ACMG Guidelines, 2015. Collection method: clinical testing. Allele origin: germline.

Gharavi Laboratory, Columbia University
Classification: Uncertain significance. Last evaluated: 2018-09-16. Review status: no assertion criteria provided. Criteria: ACMG Guidelines, 2015. Collection method: research. Allele origin: germline. Affected: yes. Not counted in ClinVar's aggregate classification.

NM_014714.4(IFT140):c.3413_3414delinsTA (p.Gln1138Leu)

Gene: IFT140 (intraflagellar transport 140; minus strand). Cytogenetic location: 16p13.3.
Variant type: Indel.
Coding change: c.3413_3414delinsTA on transcript NM_014714.4 (MANE Select); coding-DNA positions 3413 to 3414, AG replaced by TA.
Protein change: p.Gln1138Leu; replaces glutamine 1138 with leucine.
Molecular consequence: missense variant.
Genome position (GRCh38, 1-based): chr16:1,523,557-1,523,558, CT replaced by TA on the plus strand (AG replaced by TA on the coding strand, the reverse complement: IFT140 is on the minus strand). VCF-style: chr16-1523557-CT-TA. GRCh37 (hg19) VCF-style: chr16-1573558-CT-TA.
Other names: short protein forms Q1138L.
Identifiers: ClinVar variation 591375 (VCV000591375.7), dbSNP rs1567326635, ClinGen allele CA891863054.